The following is an entry in ClinVar:

ClinVar aggregate classification (germline): Pathogenic. Review status: criteria provided, multiple submitters, no conflicts (2 of 4 stars). 3 submissions from 3 submitters: Pathogenic (2). 1 of the submissions does not count toward it. Last evaluated 2025-07-31.

Conditions:
APC-related disorder. Also called: APC-related condition.
Familial adenomatous polyposis 1 (FAP1). Also called: POLYPOSIS, ADENOMATOUS INTESTINAL; FAMILIAL ADENOMATOUS POLYPOSIS 1, ATTENUATED. Identifiers: MedGen C2713442, MONDO:0021056, OMIM 175100. Disease mechanism: loss of function.

Submissions (3):

Labcorp Genetics (formerly Invitae), Labcorp
Classification: Pathogenic for Familial adenomatous polyposis 1. Last evaluated: 2025-07-31. Review status: criteria provided, single submitter. Criteria: Invitae Variant Classification Sherloc (09022015). Collection method: clinical testing. Allele origin: germline.
Comment: This sequence change creates a premature translational stop signal (p.Gln222*) in the APC gene. It is expected to result in an absent or disrupted protein product. Loss-of-function variants in APC are known to be pathogenic (PMID: 17963004, 20685668). This variant is not present in population databases (gnomAD no frequency). This premature translational stop signal has been observed in individual(s) with familial adenomatous polyposis (PMID: 12527714, 23159591). ClinVar contains an entry for this variant (Variation ID: 638855). For these reasons, this variant has been classified as Pathogenic.

Myriad Genetics, Inc.
Classification: Pathogenic for Familial adenomatous polyposis 1. Last evaluated: 2024-03-12. Review status: criteria provided, single submitter. Criteria: Myriad Autosomal Dominant, Autosomal Recessive and X-Linked Classification Criteria (2023). Collection method: clinical testing. Allele origin: unknown.
Comment: This variant is considered pathogenic. This variant creates a termination codon and is predicted to result in premature protein truncation.

PreventionGenetics, part of Exact Sciences
Classification: Pathogenic for APC-related condition. Last evaluated: 2024-08-28. Review status: no assertion criteria provided. Collection method: clinical testing. Allele origin: germline. Not counted in ClinVar's aggregate classification.
Comment: The APC c.664C>T variant is predicted to result in premature protein termination (p.Gln222*). This variant is alternatively referred to as c.694C>T utilizing transcript NM_00135497, and has been reported in multiple individuals with familial adenomatous polyposis (Table 3, Venesio et al. 2003. PubMed ID: 12527714; Table S4, Park et al. 2022. PubMed ID: 34897210; Table S1, Lagarde et al. 2010. PubMed ID: 20685668; Table 5, Kerr et al. 2012. PubMed ID: 23159591; Table 2, De la Fuente et al. 2007. PubMed ID: 17963004). This variant has not been reported in a large population database, indicating this variant is rare. Nonsense variants in APC are expected to be pathogenic. This variant is interpreted as pathogenic.

Literature cited by the submitters: PubMed 17963004 (cited by Labcorp Genetics (formerly Invitae), Labcorp); PubMed 20685668 (cited by Labcorp Genetics (formerly Invitae), Labcorp); PubMed 12527714 (cited by Labcorp Genetics (formerly Invitae), Labcorp); PubMed 23159591 (cited by Labcorp Genetics (formerly Invitae), Labcorp).

NM_000038.6(APC):c.664C>T (p.Gln222Ter)

Gene: APC (APC regulator of Wnt signaling pathway; plus strand). Cytogenetic location: 5q22.2.
Variant type: single nucleotide variant.
Coding change: c.664C>T on transcript NM_000038.6 (MANE Select); coding-DNA position 664, C replaced by T.
Protein change: p.Gln222Ter; replaces glutamine 222 with a stop codon.
Molecular consequence: nonsense. On other transcripts: 5 prime UTR variant (1), intron variant (2).
Genome position (GRCh38, 1-based): chr5:112,792,464, C>T. VCF-style: chr5-112792464-C-T. GRCh37 (hg19) VCF-style: chr5-112128161-C-T.
Other names: c.664C>T, p.Gln222Ter (NM_001127510.3, NM_001354895.2, NM_001354896.2 and 1 more transcripts); c.694C>T, p.Gln232Ter (NM_001354897.2, NM_001354902.2); c.589C>T, p.Gln197Ter (NM_001354898.2, NM_001354904.2); c.487C>T, p.Gln163Ter (NM_001354900.2, NM_001354901.2, NM_001354905.2); c.-372C>T (NM_001354906.2); c.676-8815C>T (NM_001127511.3); c.646-8815C>T (NM_001354899.2); short protein forms Q197*, Q232*, Q163*, Q222*.
Identifiers: ClinVar variation 638855 (VCV000638855.12), dbSNP rs1580423584, ClinGen allele CA16022787.